The following is an entry in ClinVar:

ClinVar aggregate classification (germline): Conflicting classifications of pathogenicity. Review status: criteria provided, conflicting classifications (1 of 4 stars). 6 submissions from 6 submitters: Pathogenic (1); Likely pathogenic (3); Uncertain significance (2). Last evaluated 2026-01-25.

Conditions:
MCCC1-related disorder. Also called: MCCC1-related condition.
3-methylcrotonyl-CoA carboxylase 1 deficiency (MCC1D). Also called: MCC 1 deficiency; 3 Alpha methylcrotonylglycinuria 1; MCCD TYPE 1; METHYLCROTONYLGLYCINURIA TYPE I. Identifiers: Orphanet 6, MedGen CN028786, MONDO:0008861, OMIM 210200.

Allele frequency attached by ClinVar (database versions not stated): TOPMed 0.00002; gnomAD 0.00001.
gnomAD v4.1: 11 of 1,614,104 alleles (0.00068%); highest among the groups gnomAD compares: Admixed American, 0.0017%; no homozygotes.

Submissions (6):

Labcorp Genetics (formerly Invitae), Labcorp
Classification: Pathogenic for 3-methylcrotonyl-CoA carboxylase 1 deficiency. Last evaluated: 2026-01-25. Review status: criteria provided, single submitter. Criteria: Invitae Variant Classification Sherloc (09022015). Collection method: clinical testing. Allele origin: germline.
Comment: This sequence change replaces valine, which is neutral and non-polar, with methionine, which is neutral and non-polar, at codon 439 of the MCCC1 protein (p.Val439Met). This variant is present in population databases (rs398124352, gnomAD 0.003%). This missense change has been observed in individuals with clinical features of 3-methylcrotonyl-CoA carboxylase deficiency (PMID: 22642865, 31901042; internal data). ClinVar contains an entry for this variant (Variation ID: 95940). Invitae Evidence Modeling of protein sequence and biophysical properties (such as structural, functional, and spatial information, amino acid conservation, physicochemical variation, residue mobility, and thermodynamic stability) indicates that this missense variant is expected to disrupt MCCC1 protein function with a positive predictive value of 95%. For these reasons, this variant has been classified as Pathogenic.

Natera, Inc.
Classification: Likely pathogenic for 3-methylcrotonyl-CoA carboxylase 1 deficiency. Last evaluated: 2025-10-13. Review status: criteria provided, single submitter. Criteria: Natera Variant Classification Schema (03/2026). Collection method: clinical testing. Allele origin: germline.
Comment: The c.1315G>A variant in MCCC1 is a missense variant predicted to cause substitution of valine to methionine at amino acid 439. This variant is rare in the general population with a frequency below the threshold expected for the associated phenotype(s). This variant has been observed in one or more individuals affected with the associated recessive disease, as either homozygous or compound heterozygous with a second variant (PMID: 22642865, 25356967). This variant has been identified in one or more affected individual with a phenotype highly consistent with the associated gene (PMID: 22642865). Computational prediction algorithms indicate this variant is likely to affect gene or protein function. Given the available evidence, this variant is classified as Likely Pathogenic.

Baylor Genetics
Classification: Likely pathogenic for 3-methylcrotonyl-CoA carboxylase 1 deficiency. Last evaluated: 2024-03-11. Review status: criteria provided, single submitter. Criteria: ACMG Guidelines, 2015. Collection method: clinical testing. Allele origin: unknown.

PreventionGenetics, part of Exact Sciences
Classification: Uncertain significance for MCCC1-related condition. Last evaluated: 2023-03-15. Review status: criteria provided, single submitter. Criteria: ACMG Guidelines, 2015. Collection method: clinical testing. Allele origin: germline.
Comment: The MCCC1 c.1315G>A variant is predicted to result in the amino acid substitution p.Val439Met. This variant has been reported in a compound heterozygous and a homozygous unrelated individual with 3-methylcrotonyl-CoA carboxylase deficiency (Grünert et al 2012. PubMed ID: 22642865; Wu D et al 2019. PubMed ID: 31901042). This variant is reported in 0.0028% of alleles in individuals of Latino descent in gnomAD. Although we suspect that this variant may be pathogenic, at this time, the clinical significance of this variant is uncertain due to the absence of conclusive functional and genetic evidence.

Eurofins Ntd Llc (ga)
Classification: Uncertain significance. Last evaluated: 2015-04-27. Review status: criteria provided, single submitter. Criteria: EGL Classification Definitions 2015. Collection method: clinical testing. Allele origin: germline. Observed: 2 variant alleles, 2 heterozygotes.

Kariminejad - Najmabadi Pathology & Genetics Center
Classification: Likely pathogenic for 3-methylcrotonyl-CoA carboxylase 1 deficiency. Review status: criteria provided, single submitter. Criteria: ACMG Guidelines, 2015. Collection method: clinical testing. Allele origin: germline. Affected: no.

Literature cited by the submitters: PubMed 22642865 (cited by 3 submitters); PubMed 31901042 (cited by Labcorp Genetics (formerly Invitae), Labcorp); PubMed 25356967 (cited by Natera, Inc. and Eurofins Ntd Llc (ga)).

NM_020166.5(MCCC1):c.1315G>A (p.Val439Met)

Gene: MCCC1 (methylcrotonyl-CoA carboxylase subunit 1; minus strand). Cytogenetic location: 3q27.1.
Variant type: single nucleotide variant.
Coding change: c.1315G>A on transcript NM_020166.5 (MANE Select); coding-DNA position 1315, G replaced by A.
Protein change: p.Val439Met; replaces valine 439 with methionine.
Molecular consequence: missense variant. On other transcripts: non-coding transcript variant (2).
Genome position (GRCh38, 1-based): chr3:183,039,088, C>T on the plus strand (G>A on the coding strand, the complement: MCCC1 is on the minus strand). VCF-style: chr3-183039088-C-T. GRCh37 (hg19) VCF-style: chr3-182756876-C-T.
Other names: c.964G>A, p.Val322Met (NM_001293273.2); c.988G>A, p.Val330Met (NM_001363880.1); short protein forms V439M, V330M, V322M.
Identifiers: ClinVar variation 95940 (VCV000095940.27), dbSNP rs398124352, ClinGen allele CA285753.